The following is an entry in ClinVar:

ClinVar aggregate classification (germline): Uncertain significance (1 of 4 stars; one submission).

Submission:

Labcorp Genetics (formerly Invitae), Labcorp
Classification: Uncertain significance. Last evaluated: 2025-04-17. Review status: criteria provided, single submitter. Criteria: Invitae Variant Classification Sherloc (09022015). Collection method: clinical testing. Allele origin: germline.
Comment: This sequence change replaces leucine, which is neutral and non-polar, with valine, which is neutral and non-polar, at codon 485 of the ALAS2 protein (p.Leu485Val). This variant is not present in population databases (gnomAD no frequency). This variant has not been reported in the literature in individuals affected with ALAS2-related conditions. Invitae Evidence Modeling of protein sequence and biophysical properties (such as structural, functional, and spatial information, amino acid conservation, physicochemical variation, residue mobility, and thermodynamic stability) indicates that this missense variant is not expected to disrupt ALAS2 protein function with a negative predictive value of 95%. In summary, the available evidence is currently insufficient to determine the role of this variant in disease. Therefore, it has been classified as a Variant of Uncertain Significance.

NM_000032.5(ALAS2):c.1453C>G (p.Leu485Val)

Gene: ALAS2 (5'-aminolevulinate synthase 2; minus strand). Cytogenetic location: Xp11.21.
Variant type: single nucleotide variant.
Coding change: c.1453C>G on transcript NM_000032.5 (MANE Select); coding-DNA position 1453, C replaced by G.
Protein change: p.Leu485Val; replaces leucine 485 with valine.
Molecular consequence: missense variant.
Genome position (GRCh38, 1-based): chrX:55,013,633, G>C on the plus strand (C>G on the coding strand, the complement: ALAS2 is on the minus strand). VCF-style: chrX-55013633-G-C. GRCh37 (hg19) VCF-style: chrX-55040066-G-C.
Other names: c.1342C>G, p.Leu448Val (NM_001037967.4); c.1414C>G, p.Leu472Val (NM_001037968.4); short protein forms L448V, L472V, L485V.
Identifiers: ClinVar variation 4801053 (VCV004801053.1).